The following is an entry in ClinVar:

ClinVar aggregate classification (germline): Uncertain significance. Review status: criteria provided, multiple submitters, no conflicts (2 of 4 stars). 4 submissions from 4 submitters: Uncertain significance (4). Last evaluated 2025-12-29.

Conditions:
Familial thoracic aortic aneurysm and aortic dissection (TAAD). Also called: Thoracic aortic aneurysms and dissections. Identifiers: Orphanet 91387, MedGen C4707243, MONDO:0019625.
Ehlers-Danlos syndrome, classic type, 1 (EDSCL1). Also called: EHLERS-DANLOS SYNDROME, GRAVIS TYPE; EHLERS-DANLOS SYNDROME, SEVERE CLASSIC TYPE; Ehlers-Danlos Syndrome, Classic Type, COL5A1-Related; EDS I; Ehlers-Danlos syndrome, type 1. Identifiers: MedGen C0268335, MONDO:0019567, OMIM 130000.

Allele frequency attached by ClinVar (database versions not stated): TOPMed 0.00001; gnomAD exomes 0.00001.
gnomAD v4.1: 3 of 1,614,204 alleles (0.00019%); highest among the groups gnomAD compares: African/African-American, 0.0013%; no homozygotes.

Submissions (4):

Women's Health and Genetics/Laboratory Corporation of America, LabCorp
Classification: Uncertain significance. Last evaluated: 2025-12-29. Review status: criteria provided, single submitter. Criteria: LabCorp Variant Classification Summary - May 2015. Collection method: clinical testing. Allele origin: germline.
Comment: Variant summary: COL5A1 c.4863G>T (p.Glu1621Asp) results in a conservative amino acid change in the encoded protein sequence. Algorithms developed to predict the effect of missense changes on protein structure and function are either unavailable or do not agree on the potential impact of this missense change. The variant was absent in 250884 control chromosomes. The available data on variant occurrences in the general population are insufficient to allow any conclusion about variant significance. c.4863G>T has been observed in at least one individual affected with adolescent idiopathic scoliosis (Haller_2016). This report does not provide unequivocal conclusions about association of the variant with Ehlers-Danlos Syndrome, Classic Type, 1. To our knowledge, no experimental evidence demonstrating an impact on protein function has been reported. The following publication has been ascertained in the context of this evaluation (PMID: 26566670). ClinVar contains an entry for this variant (Variation ID: 420014). Based on the evidence outlined above, the variant was classified as uncertain significance.

Ambry Genetics
Classification: Uncertain significance for Familial thoracic aortic aneurysm and aortic dissection. Last evaluated: 2023-12-14. Review status: criteria provided, single submitter. Criteria: Ambry Variant Classification Scheme 2023. Collection method: clinical testing. Allele origin: germline.
Comment: The p.E1621D variant (also known as c.4863G>T), located in coding exon 62 of the COL5A1 gene, results from a G to T substitution at nucleotide position 4863. The glutamic acid at codon 1621 is replaced by aspartic acid, an amino acid with highly similar properties. This amino acid position is highly conserved in available vertebrate species. In addition, the in silico prediction for this alteration is inconclusive. Since supporting evidence is limited at this time, the clinical significance of this alteration remains unclear.

Labcorp Genetics (formerly Invitae), Labcorp
Classification: Uncertain significance for Ehlers-Danlos syndrome, classic type, 1. Last evaluated: 2022-02-05. Review status: criteria provided, single submitter. Criteria: Invitae Variant Classification Sherloc (09022015). Collection method: clinical testing. Allele origin: germline.
Comment: Advanced modeling of protein sequence and biophysical properties (such as structural, functional, and spatial information, amino acid conservation, physicochemical variation, residue mobility, and thermodynamic stability) performed at Invitae indicates that this missense variant is not expected to disrupt COL5A1 protein function. ClinVar contains an entry for this variant (Variation ID: 420014). This variant has not been reported in the literature in individuals affected with COL5A1-related conditions. This variant is not present in population databases (gnomAD no frequency). This sequence change replaces glutamic acid, which is acidic and polar, with aspartic acid, which is acidic and polar, at codon 1621 of the COL5A1 protein (p.Glu1621Asp). In summary, the available evidence is currently insufficient to determine the role of this variant in disease. Therefore, it has been classified as a Variant of Uncertain Significance.

GeneDx
Classification: Uncertain significance. Last evaluated: 2017-12-05. Review status: criteria provided, single submitter. Criteria: GeneDx Variant Classification (06012015). Collection method: clinical testing. Allele origin: germline. Affected: yes.
Comment: The E1621D variant has not been published as a pathogenic variant, nor has it been reported as a benign variant to our knowledge. The E1621D variant was not observed in approximately 6500 individuals of European and African American ancestry in the NHLBI Exome Sequencing Project, indicating it is not a common benign variant in these populations. This substitution occurs at a position that is conserved across species, and in silico analysis predicts this variant is probably damaging to the protein structure/function. Nevertheless, the E1621D variant is a conservative amino acid substitution, which is not likely to impact secondary protein structure as these residues share similar properties. Furthermore, this variant does not affect a Glycine residue in a Gly-X-Y motif in the triple helical region of the COL5A1 gene, where the majority of pathogenic missense variants occur (Stenson et al., 2014; Symoens et al., 2012). Therefore, based on the currently available information, it is unclear whether this variant is pathogenic or rare benign.

Literature cited by the submitters: PubMed 26566670 (cited by Women's Health and Genetics/Laboratory Corporation of America, LabCorp).

NM_000093.5(COL5A1):c.4863G>T (p.Glu1621Asp)

Genes: COL5A1 (collagen type V alpha 1 chain; plus strand), LOC101448202 (uncharacterized LOC101448202; minus strand). Cytogenetic location: 9q34.3.
Variant type: single nucleotide variant.
Coding change: c.4863G>T on transcript NM_000093.5 (MANE Select); coding-DNA position 4863, G replaced by T.
Protein change: p.Glu1621Asp; replaces glutamic acid 1621 with aspartic acid.
Molecular consequence: missense variant.
Genome position (GRCh38, 1-based): chr9:134,824,764, G>T. VCF-style: chr9-134824764-G-T. GRCh37 (hg19) VCF-style: chr9-137716610-G-T.
Other names: c.4863G>T, p.Glu1621Asp (NM_001278074.1); short protein forms E1621D.
Identifiers: ClinVar variation 420014 (VCV000420014.13), dbSNP rs1064794238, ClinGen allele CA16618789.